The following is an entry in ClinVar:

ClinVar aggregate classification (germline): Benign/Likely benign. Review status: criteria provided, multiple submitters, no conflicts (2 of 4 stars). 4 submissions from 4 submitters: Benign (1); Likely benign (3). Last evaluated 2025-12-29.

Conditions:
Hereditary cancer-predisposing syndrome. Also called: Hereditary Cancer Syndrome; Neoplastic Syndromes, Hereditary; Hereditary neoplastic syndrome; Tumor predisposition. Identifiers: Orphanet 140162, MedGen C0027672, MeSH D009386, MONDO:0015356.
BAP1-related tumor predisposition syndrome (TPDS1). Also called: BAP1 tumor predisposition syndrome; COMMON Syndrome; TUMOR PREDISPOSITION SYNDROME 1; Tumor susceptibility linked to germline BAP1 mutations. Identifiers: Orphanet 289539, MedGen C3280492, MONDO:0013692, OMIM 614327.

Allele frequency attached by ClinVar (database versions not stated): gnomAD exomes below 0.00001; gnomAD 0.00001; TOPMed 0.00001.

Submissions (4):

Labcorp Genetics (formerly Invitae), Labcorp
Classification: Likely benign for BAP1-related tumor predisposition syndrome. Last evaluated: 2025-12-29. Review status: criteria provided, single submitter. Criteria: Invitae Variant Classification Sherloc (09022015). Collection method: clinical testing. Allele origin: germline.

Myriad Genetics, Inc.
Classification: Benign for BAP1-related tumor predisposition syndrome. Last evaluated: 2024-07-12. Review status: criteria provided, single submitter. Criteria: Myriad Autosomal Dominant, Autosomal Recessive and X-Linked Classification Criteria (2023). Collection method: clinical testing. Allele origin: unknown.
Comment: This variant is considered benign. This variant is a silent/synonymous amino acid change and it is not expected to impact splicing.

Color Diagnostics, LLC DBA Color Health
Classification: Likely benign for Hereditary cancer-predisposing syndrome. Last evaluated: 2023-12-27. Review status: criteria provided, single submitter. Criteria: ACMG Guidelines, 2015. Collection method: clinical testing. Allele origin: germline.

Ambry Genetics
Classification: Likely benign for Hereditary cancer-predisposing syndrome. Last evaluated: 2020-10-13. Review status: criteria provided, single submitter. Criteria: Ambry Variant Classification Scheme 2023. Collection method: clinical testing. Allele origin: germline.

NM_004656.4(BAP1):c.603G>A (p.Glu201=)

Gene: BAP1 (BRCA1 associated deubiquitinase 1; minus strand). Cytogenetic location: 3p21.1.
Variant type: single nucleotide variant.
Coding change: c.603G>A on transcript NM_004656.4 (MANE Select); coding-DNA position 603, G replaced by A.
Protein change: p.Glu201=; no amino-acid change (glutamic acid 201 retained).
Molecular consequence: synonymous variant.
Genome position (GRCh38, 1-based): chr3:52,406,885, C>T on the plus strand (G>A on the coding strand, the complement: BAP1 is on the minus strand). VCF-style: chr3-52406885-C-T. GRCh37 (hg19) VCF-style: chr3-52440901-C-T.
Identifiers: ClinVar variation 1094079 (VCV001094079.11), dbSNP rs925338112, ClinGen allele CA74743514.
Genomic context (GRCh38, chr3:52,406,885, plus strand): 5'-TTACCCTGCAGTGGCGAGGCCGATACGCTCCATGATGACCCGCCGGGCCTTGTCTGTCCA[C>T]TCCTCGTCCTCCCCCCAGGGCCCTAGTGGAGACCAAGACAAGGAATCAGCGAGAAGGAAA-3'
Protein context (NP_004647.1, residues 191-211): IDHGPWGEDE[Glu201=]WTDKARRVIM